The following is an entry in ClinVar:

ClinVar aggregate classification (germline): Likely benign (1 of 4 stars; one submission).

Conditions:
PLXNA1-related disorder. Also called: PLXNA1-related condition.

Submission:

PreventionGenetics, part of Exact Sciences
Classification: Likely benign for PLXNA1-related condition. Last evaluated: 2025-01-12. Review status: criteria provided, single submitter. Criteria: ACMG Guidelines, 2015. Collection method: clinical testing. Allele origin: germline.
Comment: This variant is classified as likely benign based on ACMG/AMP sequence variant interpretation guidelines (Richards et al. 2015 PMID: 25741868, with internal and published modifications).

NM_032242.4(PLXNA1):c.1998-10C>T

Gene: PLXNA1 (plexin A1; plus strand). Cytogenetic location: 3q21.3.
Variant type: single nucleotide variant.
Coding change: c.1998-10C>T on transcript NM_032242.4 (MANE Select); 10 bases into the intron before coding-DNA position 1998, C replaced by T.
Molecular consequence: intron variant.
Genome position (GRCh38, 1-based): chr3:127,007,789, C>T. VCF-style: chr3-127007789-C-T. GRCh37 (hg19) VCF-style: chr3-126726632-C-T.
Identifiers: ClinVar variation 4986039 (VCV004986039.1).
Genomic context (GRCh38, chr3:127,007,789, plus strand): 5'-TCCTTCTGATCATGGGTGACTCCACGTGGTTGCGGGTCCCCAGGCTTCAGCACCCACCCT[C>T]TCCCTGCAGCTGCCTGTCCTGTGTCAACGGCTCCTTTCCCTGCCACTGGTGCAAATACCG-3'